The following is an entry in ClinVar:

ClinVar aggregate classification (germline): Uncertain significance (1 of 4 stars; one submission).

Conditions:
STXBP5L-related disorder. Also called: STXBP5L-related condition.

Submission:

PreventionGenetics, part of Exact Sciences
Classification: Uncertain significance for STXBP5L-related condition. Last evaluated: 2025-05-02. Review status: criteria provided, single submitter. Criteria: ACMG Guidelines, 2015. Collection method: clinical testing. Allele origin: germline.
Comment: The STXBP5L c.540T>A variant is predicted to result in the amino acid substitution p.His180Gln. To our knowledge, this variant has not been reported in the literature or in a large population database (gnomAD), indicating this variant is rare. At this time, the clinical significance of this variant is uncertain due to the absence of conclusive functional and genetic evidence.

NM_001308330.2(STXBP5L):c.540T>A (p.His180Gln)

Gene: STXBP5L (syntaxin binding protein 5L; plus strand). Cytogenetic location: 3q13.33.
Variant type: single nucleotide variant.
Coding change: c.540T>A on transcript NM_001308330.2 (MANE Select); coding-DNA position 540, T replaced by A.
Protein change: p.His180Gln; replaces histidine 180 with glutamine.
Molecular consequence: missense variant. On other transcripts: non-coding transcript variant (2).
Genome position (GRCh38, 1-based): chr3:121,114,994, T>A. VCF-style: chr3-121114994-T-A. GRCh37 (hg19) VCF-style: chr3-120833841-T-A.
Other names: c.540T>A, p.His180Gln (NM_001348343.2, NM_001348344.2, NM_001348345.2 and 1 more transcripts); short protein forms H180Q.
Identifiers: ClinVar variation 4989429 (VCV004989429.1).
Genomic context (GRCh38, chr3:121,114,994, plus strand): 5'-CTGTCATCTACCTTTCCAGAGTAAATGGCTTTATGTTGGAACAGAAAGAGGAAATACACA[T>A]ATTGTAAATATTGAATCTTTCATTCTTTCTGGATATGTTATCATGTGGAACAAGGCAATT-3'
Protein context (NP_001295259.1, residues 170-190): LYVGTERGNT[His180Gln]IVNIESFILS